The following is an entry in ClinVar:

NM_014714.4(IFT140):c.4040+4T>A

Gene: IFT140 (intraflagellar transport 140; minus strand). Cytogenetic location: 16p13.3.
Variant type: single nucleotide variant.
Coding change: c.4040+4T>A on transcript NM_014714.4 (MANE Select); 4 bases into the intron after coding-DNA position 4040, T replaced by A.
Molecular consequence: intron variant.
Genome position (GRCh38, 1-based): chr16:1,519,877, A>T on the plus strand (T>A on the coding strand, the complement: IFT140 is on the minus strand). VCF-style: chr16-1519877-A-T. GRCh37 (hg19) VCF-style: chr16-1569878-A-T.
Identifiers: ClinVar variation 1385717 (VCV001385717.6), dbSNP rs1402787371, ClinGen allele CA718382423.

ClinVar aggregate classification (germline): Uncertain significance (1 of 4 stars; one submission).

Conditions:
Saldino-Mainzer syndrome (SRTD9). Also called: CONORENAL SYNDROME; Renal dysplasia, retinal pigmentary dystrophy, cerebellar ataxia and skeletal dysplasia; SHORT-RIB THORACIC DYSPLASIA 9 WITHOUT POLYDACTYLY; short-rib thoracic dysplasia 9 with or without polydactyly. Identifiers: Orphanet 140969, MedGen C1849437, MONDO:0009964, OMIM 266920.

Allele frequency attached by ClinVar (database versions not stated): gnomAD exomes below 0.00001; TOPMed below 0.00001; gnomAD 0.00001.
gnomAD v4.1: 3 of 1,529,114 alleles (0.0002%); highest among the groups gnomAD compares: East Asian, 0.0045%; no homozygotes.

Submission:

Labcorp Genetics (formerly Invitae), Labcorp
Classification: Uncertain significance for Saldino-Mainzer syndrome. Last evaluated: 2021-04-08. Review status: criteria provided, single submitter. Criteria: Invitae Variant Classification Sherloc (09022015). Collection method: clinical testing. Allele origin: germline.
Comment: In summary, the available evidence is currently insufficient to determine the role of this variant in disease. Therefore, it has been classified as a Variant of Uncertain Significance. Nucleotide substitutions within the consensus splice site are a relatively common cause of aberrant splicing (PMID: 17576681, 9536098). Algorithms developed to predict the effect of sequence changes on RNA splicing suggest that this variant may create or strengthen a splice site, but this prediction has not been confirmed by published transcriptional studies. This variant has not been reported in the literature in individuals with IFT140-related conditions. This variant is not present in population databases (ExAC no frequency). This sequence change falls in intron 29 of the IFT140 gene. It does not directly change the encoded amino acid sequence of the IFT140 protein. It affects a nucleotide within the consensus splice site of the intron.

Literature cited by the submitters: PubMed 17576681; PubMed 9536098.